The following is an entry in ClinVar:

ClinVar aggregate classification (germline): Uncertain significance (1 of 4 stars; one submission).

gnomAD v4.1: 3 of 1,548,292 alleles (0.00019%); highest among the groups gnomAD compares: African/African-American, 0.0041%; no homozygotes.

Submission:

GeneDx
Classification: Uncertain significance. Last evaluated: 2022-10-25. Review status: criteria provided, single submitter. Criteria: GeneDx Variant Classification Process June 2021. Collection method: clinical testing. Allele origin: germline. Affected: yes.
Comment: Not observed at significant frequency in large population cohorts (gnomAD); In silico analysis supports that this missense variant has a deleterious effect on protein structure/function; Has not been previously published as pathogenic or benign to our knowledge

NM_001353345.2(SETD1B):c.1943C>G (p.Ser648Trp)

Gene: SETD1B (SET domain containing 1B, histone lysine methyltransferase; plus strand). Cytogenetic location: 12q24.31.
Variant type: single nucleotide variant.
Coding change: c.1943C>G on transcript NM_001353345.2 (MANE Select); coding-DNA position 1943, C replaced by G.
Protein change: p.Ser648Trp; replaces serine 648 with tryptophan.
Molecular consequence: missense variant.
Genome position (GRCh38, 1-based): chr12:121,814,158, C>G. VCF-style: chr12-121814158-C-G. GRCh37 (hg19) VCF-style: chr12-122252064-C-G.
Other names: short protein forms S648W.
Identifiers: ClinVar variation 2500378 (VCV002500378.1), dbSNP rs549011328, ClinGen allele CA244641165.